The following is an entry in ClinVar:

NM_024642.5(GALNT12):c.588G>A (p.Lys196=)

Gene: GALNT12 (polypeptide N-acetylgalactosaminyltransferase 12; plus strand). Cytogenetic location: 9q22.33.
Variant type: single nucleotide variant.
Coding change: c.588G>A on transcript NM_024642.5 (MANE Select); coding-DNA position 588, G replaced by A.
Protein change: p.Lys196=; no amino-acid change (lysine 196 retained).
Molecular consequence: synonymous variant.
Genome position (GRCh38, 1-based): chr9:98,826,798, G>A. VCF-style: chr9-98826798-G-A. GRCh37 (hg19) VCF-style: chr9-101589080-G-A.
Identifiers: ClinVar variation 3518505 (VCV003518505.2).

ClinVar aggregate classification (germline): Benign/Likely benign. Review status: criteria provided, multiple submitters, no conflicts (2 of 4 stars). 2 submissions from 2 submitters: Benign (1); Likely benign (1). Last evaluated 2026-04-23.

Conditions:
Colorectal cancer, susceptibility to, 1. Also called: COLORECTAL ADENOMA AND CANCER, SUSCEPTIBILITY TO; COLORECTAL CANCER, SUSCEPTIBILITY TO, ON CHROMOSOME 9. Identifiers: MedGen C1837315, MONDO:0012132, OMIM 608812.

gnomAD v4.1: 2 of 1,612,094 alleles (0.00012%); highest among the groups gnomAD compares: South Asian, 0.0022%; no homozygotes.

Submissions (2):

Myriad Genetics, Inc.
Classification: Benign for Colorectal cancer, susceptibility to, 1. Last evaluated: 2026-04-23. Review status: criteria provided, single submitter. Criteria: Myriad Autosomal Dominant, Autosomal Recessive and X-Linked Classification Criteria (2023). Collection method: clinical testing. Allele origin: unknown.
Comment: This variant is considered benign. This variant is a silent/synonymous amino acid change and it is not expected to impact splicing.

Ambry Genetics
Classification: Likely benign. Last evaluated: 2024-10-04. Review status: criteria provided, single submitter. Criteria: Ambry Variant Classification Scheme 2023. Collection method: clinical testing. Allele origin: germline.